The following is an entry in ClinVar:

NM_000142.5(FGFR3):c.477G>C (p.Met159Ile)

Gene: FGFR3 (fibroblast growth factor receptor 3; plus strand). Cytogenetic location: 4p16.3.
Variant type: single nucleotide variant.
Coding change: c.477G>C on transcript NM_000142.5 (MANE Select); coding-DNA position 477, G replaced by C.
Protein change: p.Met159Ile; replaces methionine 159 with isoleucine.
Molecular consequence: missense variant. On other transcripts: non-coding transcript variant (1).
Genome position (GRCh38, 1-based): chr4:1,801,398, G>C. VCF-style: chr4-1801398-G-C. GRCh37 (hg19) VCF-style: chr4-1803125-G-C.
Other names: c.477G>C, p.Met159Ile (NM_001163213.2, NM_001354809.2, NM_001354810.2 and 1 more transcripts); short protein forms M159I.
Identifiers: ClinVar variation 3369235 (VCV003369235.1).

ClinVar aggregate classification (germline): Uncertain significance (1 of 4 stars; one submission).

Submission:

GeneDx
Classification: Uncertain significance. Last evaluated: 2024-02-16. Review status: criteria provided, single submitter. Criteria: GeneDx Variant Classification Process June 2021. Collection method: clinical testing. Allele origin: germline. Affected: yes.
Comment: Not observed at significant frequency in large population cohorts (gnomAD); In silico analysis supports that this missense variant has a deleterious effect on protein structure/function; Has not been previously published as pathogenic or benign to our knowledge